The following is an entry in ClinVar:

ClinVar aggregate classification (germline): Benign/Likely benign. Review status: criteria provided, multiple submitters, no conflicts (2 of 4 stars). 6 submissions from 6 submitters: Benign (2); Likely benign (3). 1 of the submissions does not count toward it. Last evaluated 2026-05-20.

Conditions:
NF1-related disorder. Also called: NF1-related condition. Identifiers: MedGen CN379171.
Hereditary cancer-predisposing syndrome. Also called: Hereditary neoplastic syndrome; Neoplastic Syndromes, Hereditary; Hereditary Cancer Syndrome; Tumor predisposition. Identifiers: Orphanet 140162, MedGen C0027672, MeSH D009386, MONDO:0015356.
Neurofibromatosis, type 1 (NF1). Also called: NEUROFIBROMATOSIS, TYPE I, SOMATIC; Neurofibromatosis, type I; VON RECKLINGHAUSEN DISEASE; Peripheral type neurofibromatosis. Identifiers: Orphanet 636, MedGen C0027831, MONDO:0018975, OMIM 162200. Disease mechanism: loss of function.

Allele frequency attached by ClinVar (database versions not stated): gnomAD exomes below 0.00001.
gnomAD v4.1: 2 of 1,613,328 alleles (0.00012%); highest among the groups gnomAD compares: Admixed American, 0.0017%; no homozygotes.

Submissions (6):

Myriad Genetics, Inc.
Classification: Benign for Neurofibromatosis, type 1. Last evaluated: 2026-05-20. Review status: criteria provided, single submitter. Criteria: Myriad Autosomal Dominant, Autosomal Recessive and X-Linked Classification Criteria (2023). Collection method: clinical testing. Allele origin: unknown.
Comment: This variant is considered benign. This variant is a silent/synonymous amino acid change and it is not expected to impact splicing.

Labcorp Genetics (formerly Invitae), Labcorp
Classification: Likely benign for Neurofibromatosis, type 1. Last evaluated: 2025-12-09. Review status: criteria provided, single submitter. Criteria: Invitae Variant Classification Sherloc (09022015). Collection method: clinical testing. Allele origin: germline.

KCCC/NGS Laboratory, Kuwait Cancer Control Center
Classification: Benign for Neurofibromatosis, type 1. Last evaluated: 2025-02-01. Review status: criteria provided, single submitter. Criteria: ACMG Guidelines, 2015. Collection method: clinical testing. Allele origin: germline. Affected: no.

Genome-Nilou Lab
Classification: Likely benign for Neurofibromatosis, type 1. Last evaluated: 2022-03-15. Review status: criteria provided, single submitter. Criteria: ACMG Guidelines, 2015. Collection method: clinical testing. Allele origin: germline. Affected: no.

Ambry Genetics
Classification: Likely benign for Hereditary cancer-predisposing syndrome. Last evaluated: 2015-02-26. Review status: criteria provided, single submitter. Criteria: Ambry Autosomal Dominant and X-Linked criteria (10/2015). Collection method: clinical testing. Allele origin: germline. Observed: 1 variant allele.

PreventionGenetics, part of Exact Sciences
Classification: Likely benign for NF1-related condition. Last evaluated: 2019-06-17. Review status: no assertion criteria provided. Collection method: clinical testing. Allele origin: germline. Not counted in ClinVar's aggregate classification.
Comment: This variant is classified as likely benign based on ACMG/AMP sequence variant interpretation guidelines (Richards et al. 2015 PMID: 25741868, with internal and published modifications).

NM_001042492.3(NF1):c.5970A>G (p.Pro1990=)

Gene: NF1 (neurofibromin 1; plus strand). Cytogenetic location: 17q11.2.
Variant type: single nucleotide variant.
Coding change: c.5970A>G on transcript NM_001042492.3 (MANE Select); coding-DNA position 5970, A replaced by G.
Protein change: p.Pro1990=; no amino-acid change (proline 1990 retained).
Molecular consequence: synonymous variant.
Genome position (GRCh38, 1-based): chr17:31,334,995, A>G. VCF-style: chr17-31334995-A-G. GRCh37 (hg19) VCF-style: chr17-29662013-A-G.
Other names: c.5907A>G, p.Pro1969= (NM_000267.4).
Identifiers: ClinVar variation 230505 (VCV000230505.13), dbSNP rs876658601, ClinGen allele CA10580363.
Genomic context (GRCh38, chr17:31,334,995, plus strand): 5'-AGTTACTGCTATTCTTGACAAGCTGATAACAATGACCATCAATGAAAAACAGATGTACCC[A>G]TCTATTCAAGCAAAAATATGGGGAAGCCTTGGGCAGGTATTGAGTTTGCTCAAATATTTA-3'
Protein context (NP_001035957.1, residues 1980-2000): TMTINEKQMY[Pro1990=]SIQAKIWGSL